The following is an entry in ClinVar:

ClinVar aggregate classification (germline): Uncertain significance (1 of 4 stars; one submission).

Conditions:
Thrombophilia due to protein C deficiency, autosomal dominant. Also called: PROC DEFICIENCY, AUTOSOMAL DOMINANT; PROTEIN C DEFICIENCY, AUTOSOMAL DOMINANT. Identifiers: Orphanet 745, MedGen C2674321, MONDO:0008316, OMIM 176860. Disease mechanism: loss of function.

Allele frequency attached by ClinVar (database versions not stated): gnomAD 0.00001.
gnomAD v4.1: 7 of 1,614,042 alleles (0.00043%); highest among the groups gnomAD compares: African/African-American, 0.0013%; no homozygotes.

Submission:

Labcorp Genetics (formerly Invitae), Labcorp
Classification: Uncertain significance for Thrombophilia due to protein C deficiency, autosomal dominant. Last evaluated: 2024-09-09. Review status: criteria provided, single submitter. Criteria: Invitae Variant Classification Sherloc (09022015). Collection method: clinical testing. Allele origin: germline.
Comment: This sequence change replaces alanine, which is neutral and non-polar, with threonine, which is neutral and polar, at codon 301 of the PROC protein (p.Ala301Thr). This variant is not present in population databases (gnomAD no frequency). This missense change has been observed in individual(s) with clinical features of protein C deficiency disease (PMID: 7605880, 17152060, 24162787). This variant is also known as Ala259Thr. Invitae Evidence Modeling of protein sequence and biophysical properties (such as structural, functional, and spatial information, amino acid conservation, physicochemical variation, residue mobility, and thermodynamic stability) indicates that this missense variant is expected to disrupt PROC protein function with a positive predictive value of 80%. This variant disrupts the p.Ala301 amino acid residue in PROC. Other variant(s) that disrupt this residue have been observed in individuals with PROC-related conditions (PMID: 1678832), which suggests that this may be a clinically significant amino acid residue. In summary, the available evidence is currently insufficient to determine the role of this variant in disease. Therefore, it has been classified as a Variant of Uncertain Significance.

Literature cited by the submitters: PubMed 7605880; PubMed 17152060; PubMed 24162787; PubMed 1678832.

NM_000312.4(PROC):c.901G>A (p.Ala301Thr)

Gene: PROC (protein C, inactivator of coagulation factors Va and VIIIa; plus strand). Cytogenetic location: 2q14.3.
Variant type: single nucleotide variant.
Coding change: c.901G>A on transcript NM_000312.4 (MANE Select); coding-DNA position 901, G replaced by A.
Protein change: p.Ala301Thr; replaces alanine 301 with threonine.
Molecular consequence: missense variant.
Genome position (GRCh38, 1-based): chr2:127,428,461, G>A. VCF-style: chr2-127428461-G-A. GRCh37 (hg19) VCF-style: chr2-128186037-G-A.
Other names: c.1084G>A, p.Ala362Thr (NM_001375602.1); c.1066G>A, p.Ala356Thr (NM_001375603.1); c.964G>A, p.Ala322Thr (NM_001375604.1); c.1003G>A, p.Ala335Thr (NM_001375605.1); c.1069G>A, p.Ala357Thr (NM_001375606.1); c.1087G>A, p.Ala363Thr (NM_001375607.1); c.844G>A, p.Ala282Thr (NM_001375608.1); c.877G>A, p.Ala293Thr (NM_001375609.1); and 2 more; short protein forms A282T, A322T, A299T, A301T, A335T, A362T, A356T, A293T.
Identifiers: ClinVar variation 2721457 (VCV002721457.3), dbSNP rs1343264503, ClinGen allele CA348404731.